The following is an entry in ClinVar:

NM_000384.3(APOB):c.6022G>T (p.Glu2008Ter)

Gene: APOB (apolipoprotein B; minus strand). Cytogenetic location: 2p24.1.
Variant type: single nucleotide variant.
Coding change: c.6022G>T on transcript NM_000384.3 (MANE Select); coding-DNA position 6022, G replaced by T.
Protein change: p.Glu2008Ter; replaces glutamic acid 2008 with a stop codon.
Molecular consequence: nonsense.
Genome position (GRCh38, 1-based): chr2:21,010,846, C>A on the plus strand (G>T on the coding strand, the complement: APOB is on the minus strand). VCF-style: chr2-21010846-C-A. GRCh37 (hg19) VCF-style: chr2-21233718-C-A.
Other names: short protein forms E2008*.
Identifiers: ClinVar variation 4787609 (VCV004787609.1).
Genomic context (GRCh38, chr2:21,010,846, plus strand): 5'-GTGGCACTTTAATTGGGGAGTCTAGTAGAGTTAGGTCAGCCAGAGTTCGTCCAGTAAGCT[C>A]CACGCCAATTTTATCTTTAGTGTTGTAAGCATCCAAGTCCTGGCTGTATTCATTGTTGTT-3'

ClinVar aggregate classification (germline): Pathogenic (1 of 4 stars; one submission).

Conditions:
Familial hypobetalipoproteinemia 1. Also called: APOB-Related Familial Hypobetalipoproteinemia; Hypobetalipoproteinemia, normotriglyceridemic; Acanthocytosis with hypobetalipoproteinemia. Identifiers: MedGen C4551990, MONDO:0014252, OMIM 615558.
Hypercholesterolemia, autosomal dominant, type B (FHCL2). Also called: APOB-Related Familial Hypercholesterolemia, Autosomal Dominant; Familial hypercholesterolemia 2; Familial Hypercholesterolemia Type B; APOLIPOPROTEIN B-100, FAMILIAL DEFECTIVE; APOLIPOPROTEIN B-100, FAMILIAL LIGAND-DEFECTIVE; HYPERCHOLESTEROLEMIA, FAMILIAL, DUE TO LIGAND-DEFECTIVE APOLIPOPROTEIN B. Identifiers: MedGen C1704417, MONDO:0007751, OMIM 144010.

gnomAD v4.1: 2 of 1,614,122 alleles (0.00012%); highest among the groups gnomAD compares: Admixed American, 0.0033%; no homozygotes.

Submission:

Labcorp Genetics (formerly Invitae), Labcorp
Classification: Pathogenic for Familial hypobetalipoproteinemia 1; Hypercholesterolemia, autosomal dominant, type B. Last evaluated: 2025-12-31. Review status: criteria provided, single submitter. Criteria: Invitae Variant Classification Sherloc (09022015). Collection method: clinical testing. Allele origin: germline.
Comment: This sequence change creates a premature translational stop signal (p.Glu2008*) in the APOB gene. It is expected to result in an absent or disrupted protein product. Loss-of-function variants in APOB are known to be pathogenic (PMID: 20032471). This variant is present in population databases (rs745755712, gnomAD 0.006%). This variant has not been reported in the literature in individuals affected with APOB-related conditions. For these reasons, this variant has been classified as Pathogenic.

Literature cited by the submitters: PubMed 20032471.